The following is an entry in ClinVar:

NM_007194.4(CHEK2):c.1355G>A (p.Trp452Ter)

Gene: CHEK2 (checkpoint kinase 2; minus strand). Cytogenetic location: 22q12.1.
Variant type: single nucleotide variant.
Coding change: c.1355G>A on transcript NM_007194.4 (MANE Select); coding-DNA position 1355, G replaced by A.
Protein change: p.Trp452Ter; replaces tryptophan 452 with a stop codon.
Molecular consequence: nonsense.
Genome position (GRCh38, 1-based): chr22:28,695,147, C>T on the plus strand (G>A on the coding strand, the complement: CHEK2 is on the minus strand). VCF-style: chr22-28695147-C-T. GRCh37 (hg19) VCF-style: chr22-29091135-C-T.
Other names: c.1484G>A, p.Trp495Ter (NM_001005735.3); c.692G>A, p.Trp231Ter (NM_001257387.3); c.1154G>A, p.Trp385Ter (NM_001349956.3); c.1268G>A, p.Trp423Ter (NM_145862.3); short protein forms W423*, W231*, W385*, W452*, W495*.
Identifiers: ClinVar variation 650644 (VCV000650644.14), dbSNP rs1601719186, ClinGen allele CA411095534.

ClinVar aggregate classification (germline): Pathogenic/Likely pathogenic. Review status: criteria provided, multiple submitters, no conflicts (2 of 4 stars). 4 submissions from 4 submitters: Pathogenic (3); Likely pathogenic (1). Last evaluated 2025-05-19.

Conditions:
Hereditary cancer-predisposing syndrome. Also called: Neoplastic Syndromes, Hereditary; Tumor predisposition; Hereditary Cancer Syndrome; Hereditary neoplastic syndrome. Identifiers: Orphanet 140162, MedGen C0027672, MeSH D009386, MONDO:0015356.
Familial cancer of breast. Also called: hereditary breast carcinoma; Hereditary breast cancer; BREAST CANCER, FAMILIAL. Identifiers: Orphanet 227535, MedGen C0346153, MONDO:0016419, OMIM 114480. Disease mechanism: loss of function.

Allele frequency attached by ClinVar (database versions not stated): gnomAD exomes below 0.00001.
gnomAD v4.1: 2 of 1,609,880 alleles (0.00012%); highest among the groups gnomAD compares: Non-Finnish European, 0.00017%; no homozygotes.

Submissions (4):

Labcorp Genetics (formerly Invitae), Labcorp
Classification: Pathogenic for Familial cancer of breast. Last evaluated: 2025-05-19. Review status: criteria provided, single submitter. Criteria: Invitae Variant Classification Sherloc (09022015). Collection method: clinical testing. Allele origin: germline.
Comment: This sequence change creates a premature translational stop signal (p.Trp452*) in the CHEK2 gene. It is expected to result in an absent or disrupted protein product. Loss-of-function variants in CHEK2 are known to be pathogenic (PMID: 21876083, 24713400). This variant is not present in population databases (gnomAD no frequency). A different variant (c.1356G>A) giving rise to the same protein effect has been determined to be pathogenic (PMID: 26681312, 28724667, 29356917). This suggests that this variant is also likely to be causative of disease. ClinVar contains an entry for this variant (Variation ID: 650644). Algorithms developed to predict the effect of sequence changes on RNA splicing suggest that this variant may disrupt the consensus splice site. For these reasons, this variant has been classified as Pathogenic.

Molecular Diagnostics Laboratory, Catalan Institute of Oncology
Classification: Likely pathogenic for Hereditary cancer-predisposing syndrome. Last evaluated: 2025-03-23. Review status: criteria provided, single submitter. Criteria: ACMG Guidelines, 2015. Collection method: clinical testing. Allele origin: germline.
Comment: PVS1, PM2_Supporting c.1355G>A, located in exon 12 of the CHEK2 gene, is expected to result in loss of function by premature protein truncation and nonsense-mediated mRNA decay (PVS1), p.(Trp452*).It is not present in the population database gnomAD v2.1.1, non cancer dataset (PM2_Supporting). The SpliceAI algorithm predicts no significant impact on splicing. To our knowledge, functional studies have not been performed for this variant. The variant has been reported in the ClinVar database (3x pathogenic) but it has not been reported in the LOVD database. Based on currently available information, the variant c.1355G>A is classified as a likely pathogenic variant according to ACMG guidelines.

Ambry Genetics
Classification: Pathogenic for Hereditary cancer-predisposing syndrome. Last evaluated: 2024-03-14. Review status: criteria provided, single submitter. Criteria: Ambry Variant Classification Scheme 2023. Collection method: clinical testing. Allele origin: germline.
Comment: The p.W452* pathogenic mutation (also known as c.1355G>A), located in coding exon 11 of the CHEK2 gene, results from a G to A substitution at nucleotide position 1355. This changes the amino acid from a tryptophan to a stop codon within coding exon 11. This alteration is expected to result in loss of function by premature protein truncation or nonsense-mediated mRNA decay. As such, this alteration is interpreted as a disease-causing mutation.

Myriad Genetics, Inc.
Classification: Pathogenic for Familial cancer of breast. Last evaluated: 2023-06-28. Review status: criteria provided, single submitter. Criteria: Myriad Autosomal Dominant, Autosomal Recessive and X-Linked Classification Criteria (2023). Collection method: clinical testing. Allele origin: unknown.
Comment: This variant is considered pathogenic. This variant creates a termination codon and is predicted to result in premature protein truncation.

Literature cited by the submitters: PubMed 21876083 (cited by Labcorp Genetics (formerly Invitae), Labcorp); PubMed 24713400 (cited by Labcorp Genetics (formerly Invitae), Labcorp); PubMed 26681312 (cited by Labcorp Genetics (formerly Invitae), Labcorp); PubMed 28724667 (cited by Labcorp Genetics (formerly Invitae), Labcorp); PubMed 29356917 (cited by Labcorp Genetics (formerly Invitae), Labcorp).